The following is an entry in ClinVar:

ClinVar aggregate classification (germline): Likely pathogenic (1 of 4 stars; one submission).

Submission:

Labcorp Genetics (formerly Invitae), Labcorp
Classification: Likely pathogenic. Last evaluated: 2024-06-21. Review status: criteria provided, single submitter. Criteria: Invitae Variant Classification Sherloc (09022015). Collection method: clinical testing. Allele origin: germline.
Comment: This variant results in the deletion of part of exon 26 of the POLE gene. It is expected to disrupt RNA splicing. Variants that disrupt the donor or acceptor splice site typically lead to a loss of protein function (PMID: 16199547), and loss-of-function variants in POLE are known to be pathogenic (PMID: 23230001, 25948378, 30503519). This variant is not present in population databases (gnomAD no frequency). This variant has not been reported in the literature in individuals affected with POLE-related conditions. In summary, the currently available evidence indicates that the variant is pathogenic, but additional data are needed to prove that conclusively. Therefore, this variant has been classified as Likely Pathogenic.

Literature cited by the submitters: PubMed 16199547; PubMed 23230001; PubMed 25948378; PubMed 30503519.

NM_006231.4(POLE):c.3264_3275+14del

Gene: POLE (DNA polymerase epsilon, catalytic subunit; minus strand). Cytogenetic location: 12q24.33.
Variant type: Deletion.
Coding change: c.3264_3275+14del on transcript NM_006231.4 (MANE Select); coding-DNA position 3264 through 14 bases into the intron after coding-DNA position 3275, 26 bases deleted (TGTCACGGAGAGGTGAGGGCTCCCCC).
Molecular consequence: splice donor variant.
Genome position (GRCh38, 1-based): chr12:132,659,281-132,659,306, GGGGGAGCCCTCACCTCTCCGTGACA deleted on the plus strand (TGTCACGGAGAGGTGAGGGCTCCCCC on the coding strand, the reverse complement: POLE is on the minus strand); deleting any 26 consecutive bases within chr12:132,659,281-132,659,310 gives the same sequence; the c. name uses the placement nearest the transcript's 3' end. VCF-style (leftmost placement, unchanged base first): chr12-132659280-GGGGGGAGCCCTCACCTCTCCGTGACA-G. GRCh37 (hg19) VCF-style: chr12-133235866-GGGGGGAGCCCTCACCTCTCCGTGACA-G.
Identifiers: ClinVar variation 3657220 (VCV003657220.2).